The following is an entry in ClinVar:

NM_025179.4(PLXNA2):c.5426G>C (p.Ser1809Thr)

Gene: PLXNA2 (plexin A2; minus strand). Cytogenetic location: 1q32.2.
Variant type: single nucleotide variant.
Coding change: c.5426G>C on transcript NM_025179.4 (MANE Select); coding-DNA position 5426, G replaced by C.
Protein change: p.Ser1809Thr; replaces serine 1809 with threonine.
Molecular consequence: missense variant.
Genome position (GRCh38, 1-based): chr1:208,028,842, C>G on the plus strand (G>C on the coding strand, the complement: PLXNA2 is on the minus strand). VCF-style: chr1-208028842-C-G. GRCh37 (hg19) VCF-style: chr1-208202187-C-G.
Other names: short protein forms S1809T.
Identifiers: ClinVar variation 4996645 (VCV004996645.1).

ClinVar aggregate classification (germline): Uncertain significance (1 of 4 stars; one submission).

Conditions:
PLXNA2-related disorder. Also called: PLXNA2-related condition.

gnomAD v4.1: 1 of 1,613,848 alleles (0.000062%); highest among the groups gnomAD compares: African/African-American, 0.0013%; no homozygotes.

Submission:

PreventionGenetics, part of Exact Sciences
Classification: Uncertain significance for PLXNA2-related condition. Last evaluated: 2026-06-04. Review status: criteria provided, single submitter. Criteria: ACMG Guidelines, 2015. Collection method: clinical testing. Allele origin: germline.
Comment: The PLXNA2 c.5426G>C variant is predicted to result in the amino acid substitution p.Ser1809Thr. To our knowledge, this variant has not been reported in the literature or in a large population database (gnomAD), indicating this variant is rare. At this time, the clinical significance of this variant is uncertain due to the absence of conclusive functional and genetic evidence.